The following is an entry in ClinVar:

ClinVar aggregate classification (germline): Pathogenic/Likely pathogenic. Review status: criteria provided, multiple submitters, no conflicts (2 of 4 stars). 5 submissions from 5 submitters: Pathogenic (4); Likely pathogenic (1). Last evaluated 2025-04-08.

Conditions:
POLG-related disorder. Also called: POLG-Related Spectrum Disorders; POLG-related condition; POLG-Related Disorders. Identifiers: MedGen C4763519.
Progressive sclerosing poliodystrophy (MTDPS4A). Also called: Mitochondrial DNA depletion syndrome 4A (Alpers type); Alpers Syndrome; NEURONAL DEGENERATION OF CHILDHOOD WITH LIVER DISEASE, PROGRESSIVE; Mitochondrial DNA Depletion Syndrome 4A; Alpers-Huttenlocher Syndrome (AHS); ALPERS PROGRESSIVE INFANTILE POLIODYSTROPHY. Identifiers: Orphanet 726, MedGen C0205710, MONDO:0008758, OMIM 203700.

Submissions (5):

Labcorp Genetics (formerly Invitae), Labcorp
Classification: Pathogenic for Progressive sclerosing poliodystrophy. Last evaluated: 2025-04-08. Review status: criteria provided, single submitter. Criteria: Invitae Variant Classification Sherloc (09022015). Collection method: clinical testing. Allele origin: germline.
Comment: This sequence change creates a premature translational stop signal (p.Glu1121Valfs*2) in the POLG gene. It is expected to result in an absent or disrupted protein product. Loss-of-function variants in POLG are known to be pathogenic (PMID: 18546365). This variant is not present in population databases (gnomAD no frequency). This variant has not been reported in the literature in individuals affected with POLG-related conditions. ClinVar contains an entry for this variant (Variation ID: 419336). Algorithms developed to predict the effect of sequence changes on RNA splicing suggest that this variant may disrupt the consensus splice site. For these reasons, this variant has been classified as Pathogenic.

Myriad Genetics, Inc.
Classification: Pathogenic for POLG-related disorder. Last evaluated: 2024-11-26. Review status: criteria provided, single submitter. Criteria: Myriad Autosomal Dominant, Autosomal Recessive and X-Linked Classification Criteria (2023). Collection method: clinical testing. Allele origin: unknown.
Comment: NM_002693.2(POLG):c.3358_3361dupTTTG(E1121Vfs*2) is expected to be pathogenic in the context of POLG-related disorders. This variant is predicted to lead to an abnormal or absent protein product due to the creation of a premature termination codon in POLG, a gene where loss-of-function variants are known to be pathogenic. Please note: this variant was assessed in the context of healthy population screening.

Baylor Genetics
Classification: Likely pathogenic for Progressive sclerosing poliodystrophy. Last evaluated: 2023-03-22. Review status: criteria provided, single submitter. Criteria: ACMG Guidelines, 2015. Collection method: clinical testing. Allele origin: unknown.

AiLife Diagnostics
Classification: Pathogenic. Last evaluated: 2022-02-28. Review status: criteria provided, single submitter. Criteria: ACMG Guidelines, 2015. Collection method: clinical testing. Allele origin: germline. Affected: yes. Observed: 1 variant allele.

GeneDx
Classification: Pathogenic. Last evaluated: 2015-07-02. Review status: criteria provided, single submitter. Criteria: GeneDx Variant Classification (06012015). Collection method: clinical testing. Allele origin: germline. Affected: yes.
Comment: The c.3358_3361dupTTTG duplication in the POLG gene causes a frameshift starting with codon GlutamicAcid 1121, changes this amino acid to a Valine residue and creates a premature Stop codon at position 2 ofthe new reading frame, denoted p.Glu1121ValfsX2. This variant is predicted to cause loss of normalprotein function either through protein truncation or nonsense-mediated mRNA decay. Although thisvariant has not been previously reported to our knowledge, other frameshift variants in the POLG gene,including one at a nearby residue, have been reported in the Human Gene Mutation Database inassociation with POLG-related disorders. Therefore, c.3358_3361dupTTTG is considered a pathogenic variant.

Literature cited by the submitters: PubMed 18546365 (cited by Labcorp Genetics (formerly Invitae), Labcorp).

NM_002693.3(POLG):c.3358_3361dup (p.Glu1121delinsValTer)

Gene: POLG (DNA polymerase gamma, catalytic subunit; minus strand). Cytogenetic location: 15q26.1.
Variant type: Duplication.
Coding change: c.3358_3361dup on transcript NM_002693.3 (MANE Select); coding-DNA positions 3358 to 3361, 4 bases duplicated (TTTG; older notation c.3358_3361dupTTTG).
Protein change: p.Glu1121delinsValTer.
Molecular consequence: nonsense.
Genome position (GRCh38, 1-based): chr15:89,318,662-89,318,665, CAAA duplicated on the plus strand (TTTG on the coding strand, the reverse complement: POLG is on the minus strand); duplicating any 4 consecutive bases within chr15:89,318,662-89,318,667 gives the same sequence; the c. name uses the placement nearest the transcript's 3' end. VCF-style (leftmost placement, unchanged base first): chr15-89318661-T-TCAAA. GRCh37 (hg19) VCF-style: chr15-89861892-T-TCAAA.
Other names: c.3358_3361dupTTTG (NM_002693.2); c.3358_3361dup, p.Glu1121delinsValTer (NM_001126131.2).
Identifiers: ClinVar variation 419336 (VCV000419336.12), dbSNP rs1064793800, ClinGen allele CA16620019.